The following is an entry in ClinVar:

ClinVar aggregate classification (germline): Conflicting classifications of pathogenicity. Review status: criteria provided, conflicting classifications (1 of 4 stars). 2 submissions from 2 submitters: Uncertain significance (1); Likely benign (1). Last evaluated 2026-03-12.

Conditions:
Hereditary cancer-predisposing syndrome. Also called: Neoplastic Syndromes, Hereditary; Tumor predisposition; Hereditary Cancer Syndrome; Hereditary neoplastic syndrome. Identifiers: Orphanet 140162, MedGen C0027672, MeSH D009386, MONDO:0015356.
Familial cancer of breast. Also called: BREAST CANCER, FAMILIAL; Hereditary breast cancer; hereditary breast carcinoma. Identifiers: Orphanet 227535, MedGen C0346153, MONDO:0016419, OMIM 114480. Disease mechanism: loss of function.

Submissions (2):

Ambry Genetics
Classification: Uncertain significance for Hereditary cancer-predisposing syndrome. Last evaluated: 2026-03-12. Review status: criteria provided, single submitter. Criteria: Ambry Variant Classification Scheme 2023. Collection method: clinical testing. Allele origin: germline.
Comment: The c.1904-5G>C intronic variant results from a G to C substitution 5 nucleotides upstream from coding exon 10 in the BARD1 gene. This nucleotide position is not well conserved in available vertebrate species. In silico splice site analysis predicts that this alteration will not have any significant effect on splicing. Based on the available evidence, the clinical significance of this variant remains unclear.

Labcorp Genetics (formerly Invitae), Labcorp
Classification: Likely benign for Familial cancer of breast. Last evaluated: 2022-03-06. Review status: criteria provided, single submitter. Criteria: Invitae Variant Classification Sherloc (09022015). Collection method: clinical testing. Allele origin: germline.

NM_000465.4(BARD1):c.1904-5G>C

Gene: BARD1 (BRCA1 associated RING domain 1; minus strand). Cytogenetic location: 2q35.
Variant type: single nucleotide variant.
Coding change: c.1904-5G>C on transcript NM_000465.4 (MANE Select); 5 bases into the intron before coding-DNA position 1904, G replaced by C.
Molecular consequence: intron variant.
Genome position (GRCh38, 1-based): chr2:214,730,513, C>G on the plus strand (G>C on the coding strand, the complement: BARD1 is on the minus strand). VCF-style: chr2-214730513-C-G. GRCh37 (hg19) VCF-style: chr2-215595237-C-G.
Other names: c.494-5G>C (NM_001282548.2); c.1847-5G>C (NM_001282543.2); c.551-5G>C (NM_001282545.2); c.365-5G>C (NM_001282549.2); c.1904-5G>C (NM_000465.2).
Identifiers: ClinVar variation 2107314 (VCV002107314.5), dbSNP rs376639978, ClinGen allele CA2580065667.